The following is an entry in ClinVar:

ClinVar aggregate classification (germline): Likely benign. Review status: criteria provided, multiple submitters, no conflicts (2 of 4 stars). 3 submissions from 3 submitters: Likely benign (3). Last evaluated 2026-01-11.

Conditions:
PRDM13-related disorder. Also called: PRDM13-related condition.

Allele frequency attached by ClinVar (database versions not stated): gnomAD 0.00001 and 0.00011; TOPMed 0.00002; gnomAD exomes 0.00031; ExAC 0.00032; 1000 Genomes Project 30x 0.00062; 1000 Genomes Project 0.00080.
gnomAD v4.1: 186 of 1,613,850 alleles (0.012%); highest among the groups gnomAD compares: South Asian, 0.18%; 2 homozygotes.

Submissions (3):

Labcorp Genetics (formerly Invitae), Labcorp
Classification: Likely benign. Last evaluated: 2026-01-11. Review status: criteria provided, single submitter. Criteria: Invitae Variant Classification Sherloc (09022015). Collection method: clinical testing. Allele origin: germline.

PreventionGenetics, part of Exact Sciences
Classification: Likely benign for PRDM13-related condition. Last evaluated: 2024-12-02. Review status: criteria provided, single submitter. Criteria: ACMG Guidelines, 2015. Collection method: clinical testing. Allele origin: germline.
Comment: This variant is classified as likely benign based on ACMG/AMP sequence variant interpretation guidelines (Richards et al. 2015 PMID: 25741868, with internal and published modifications).

Blueprint Genetics
Classification: Likely benign. Last evaluated: 2024-08-30. Review status: criteria provided, single submitter. Criteria: ACMG Guidelines, 2015. Collection method: clinical testing. Allele origin: germline.

NM_021620.4(PRDM13):c.118C>T (p.Arg40Cys)

Gene: PRDM13 (PR/SET domain 13; plus strand). Cytogenetic location: 6q16.2.
Variant type: single nucleotide variant.
Coding change: c.118C>T on transcript NM_021620.4 (MANE Select); coding-DNA position 118, C replaced by T.
Protein change: p.Arg40Cys; replaces arginine 40 with cysteine.
Molecular consequence: missense variant.
Genome position (GRCh38, 1-based): chr6:99,607,152, C>T. VCF-style: chr6-99607152-C-T. GRCh37 (hg19) VCF-style: chr6-100055028-C-T.
Other names: c.118C>T (NM_021620.3); short protein forms R40C.
Identifiers: ClinVar variation 1093560 (VCV001093560.11), dbSNP rs545654073, ClinGen allele CA3936095.